The following is an entry in ClinVar:

ClinVar aggregate classification (germline): Uncertain significance (1 of 4 stars; one submission).

Allele frequency attached by ClinVar (database versions not stated): TOPMed below 0.00001.

Submission:

Labcorp Genetics (formerly Invitae), Labcorp
Classification: Uncertain significance. Last evaluated: 2023-01-29. Review status: criteria provided, single submitter. Criteria: Invitae Variant Classification Sherloc (09022015). Collection method: clinical testing. Allele origin: germline.
Comment: In summary, the available evidence is currently insufficient to determine the role of this variant in disease. Therefore, it has been classified as a Variant of Uncertain Significance. Advanced modeling of protein sequence and biophysical properties (such as structural, functional, and spatial information, amino acid conservation, physicochemical variation, residue mobility, and thermodynamic stability) performed at Invitae indicates that this missense variant is not expected to disrupt SETBP1 protein function. This variant has not been reported in the literature in individuals affected with SETBP1-related conditions. This variant is not present in population databases (gnomAD no frequency). This sequence change replaces glutamic acid, which is acidic and polar, with alanine, which is neutral and non-polar, at codon 887 of the SETBP1 protein (p.Glu887Ala).

NM_015559.3(SETBP1):c.2660A>C (p.Glu887Ala)

Gene: SETBP1 (SET binding protein 1; plus strand). Cytogenetic location: 18q12.3.
Variant type: single nucleotide variant.
Coding change: c.2660A>C on transcript NM_015559.3 (MANE Select); coding-DNA position 2660, A replaced by C.
Protein change: p.Glu887Ala; replaces glutamic acid 887 with alanine.
Molecular consequence: missense variant.
Genome position (GRCh38, 1-based): chr18:44,952,000, A>C. VCF-style: chr18-44952000-A-C. GRCh37 (hg19) VCF-style: chr18-42531965-A-C.
Other names: c.2660A>C, p.Glu887Ala (NM_001379141.1, NM_001379142.1, NM_001410862.1); short protein forms E887A.
Identifiers: ClinVar variation 2832814 (VCV002832814.3), dbSNP rs2071365458, ClinGen allele CA402321934.